The following is an entry in ClinVar:

ClinVar aggregate classification (germline): Uncertain significance. Review status: criteria provided, multiple submitters, no conflicts (2 of 4 stars). 2 submissions from 2 submitters: Uncertain significance (2). Last evaluated 2025-04-12.

Allele frequency attached by ClinVar (database versions not stated): ExAC 0.00001; gnomAD 0.00001; TOPMed 0.00001; 1000 Genomes Project 30x 0.00016.

Submissions (2):

Ambry Genetics
Classification: Uncertain significance. Last evaluated: 2025-04-12. Review status: criteria provided, single submitter. Criteria: Ambry Variant Classification Scheme 2023. Collection method: clinical testing. Allele origin: germline.

Labcorp Genetics (formerly Invitae), Labcorp
Classification: Uncertain significance. Last evaluated: 2024-01-03. Review status: criteria provided, single submitter. Criteria: Invitae Variant Classification Sherloc (09022015). Collection method: clinical testing. Allele origin: germline.
Comment: This sequence change replaces methionine, which is neutral and non-polar, with valine, which is neutral and non-polar, at codon 508 of the SLCO5A1 protein (p.Met508Val). This variant is present in population databases (rs773729706, gnomAD 0.003%). This variant has not been reported in the literature in individuals affected with SLCO5A1-related conditions. An algorithm developed to predict the effect of missense changes on protein structure and function (PolyPhen-2) suggests that this variant is likely to be tolerated. In summary, the available evidence is currently insufficient to determine the role of this variant in disease. Therefore, it has been classified as a Variant of Uncertain Significance.

NM_030958.3(SLCO5A1):c.1522A>G (p.Met508Val)

Gene: SLCO5A1 (solute carrier organic anion transporter family member 5A1; minus strand). Cytogenetic location: 8q13.3.
Variant type: single nucleotide variant.
Coding change: c.1522A>G on transcript NM_030958.3 (MANE Select); coding-DNA position 1522, A replaced by G.
Protein change: p.Met508Val; replaces methionine 508 with valine.
Molecular consequence: missense variant.
Genome position (GRCh38, 1-based): chr8:69,705,131, T>C on the plus strand (A>G on the coding strand, the complement: SLCO5A1 is on the minus strand). VCF-style: chr8-69705131-T-C. GRCh37 (hg19) VCF-style: chr8-70617366-T-C.
Other names: c.1522A>G, p.Met508Val (NM_001146008.2); c.1357A>G, p.Met453Val (NM_001146009.1); c.1522A>G (NM_030958.2); short protein forms M453V, M508V.
Identifiers: ClinVar variation 2959340 (VCV002959340.4), dbSNP rs773729706, ClinGen allele CA4776558.
Genomic context (GRCh38, chr8:69,705,131, plus strand): 5'-TTTCACATCCAACAATAAATAGGGTTGAAAAACATAGTAAAGACACACCACTGCAGATCA[T>C]TGCTAGTTTTGCAGATTCTCTGGCACCAAGTTTCAATTTTTTTATAATGTAGCCTCCGAG-3'
Protein context (NP_112220.2, residues 498-518): LGARESAKLA[Met508Val]ICSGVSLLCF